The following is an entry in ClinVar:

ClinVar aggregate classification (germline): Benign/Likely benign. Review status: criteria provided, multiple submitters, no conflicts (2 of 4 stars). 8 submissions from 8 submitters: Benign (5); Likely benign (3). Last evaluated 2026-01-28.

Conditions:
Maturity-onset diabetes of the young type 11. Identifiers: Orphanet 552, MedGen C3150618, MONDO:0013242, OMIM 613375.
Systemic lupus erythematosus (SLE). Identifiers: Orphanet 536, MedGen C0024141, MONDO:0007915, OMIM 152700, HP:0002725.

Allele frequency attached by ClinVar (database versions not stated): gnomAD exomes 0.00087 and 0.00183; ExAC 0.00223; gnomAD 0.00617 and 0.00652; TOPMed 0.00694; ESP Exome Variant Server 0.00730; 1000 Genomes Project 30x 0.00984; 1000 Genomes Project 0.00998.
gnomAD v4.1: 2,266 of 1,612,548 alleles (0.14%); highest among the groups gnomAD compares: African/African-American, 2.1%; 19 homozygotes.

Submissions (8):

Labcorp Genetics (formerly Invitae), Labcorp
Classification: Benign. Last evaluated: 2026-01-28. Review status: criteria provided, single submitter. Criteria: Invitae Variant Classification Sherloc (09022015). Collection method: clinical testing. Allele origin: germline.

Blueprint Genetics
Classification: Likely benign. Last evaluated: 2024-11-26. Review status: criteria provided, single submitter. Criteria: ACMG Guidelines, 2015. Collection method: clinical testing. Allele origin: germline.

ARUP Laboratories, Molecular Genetics and Genomics, ARUP Laboratories
Classification: Benign for Maturity-onset diabetes of the young type 11. Last evaluated: 2023-11-07. Review status: criteria provided, single submitter. Criteria: ARUP Molecular Germline Variant Investigation Process 2024. Collection method: clinical testing. Allele origin: germline.

GeneDx
Classification: Likely benign. Last evaluated: 2018-11-20. Review status: criteria provided, single submitter. Criteria: GeneDx Variant Classification Process June 2021. Collection method: clinical testing. Allele origin: germline. Affected: yes.

Illumina Laboratory Services, Illumina
Classification: Benign for Maturity-onset diabetes of the young type 11. Last evaluated: 2018-01-13. Review status: criteria provided, single submitter. Criteria: ICSL Variant Classification Criteria 13 December 2019. Collection method: clinical testing. Allele origin: germline.
Comment: This variant was observed in the ICSL laboratory as part of a predisposition screen in an ostensibly healthy population. It had not been previously curated by ICSL or reported in the Human Gene Mutation Database (HGMD: prior to June 1st, 2018), and was therefore a candidate for classification through an automated scoring system. Utilizing variant allele frequency, disease prevalence and penetrance estimates, and inheritance mode, an automated score was calculated to assess if this variant is too frequent to cause the disease. Based on the score and internal cut-off values, a variant classified as benign is not then subjected to further curation. The score for this variant resulted in a classification of benign for this disease.

Breakthrough Genomics
Classification: Likely benign. Review status: criteria provided, single submitter. Criteria: ACMG Guidelines, 2015. Collection method: not provided. Allele origin: germline. Inheritance: Autosomal dominant inheritance. Affected: yes.

Clinical Genomics, Uppaluri K&H Personalized Medicine Clinic
Classification: Benign for Systemic lupus erythematosus. Review status: criteria provided, single submitter. Criteria: K & H Uppaluri Personalized Medicine Clinic Variant Classification & Assertion Criteria_Updated V.1. Collection method: research. Allele origin: unknown.
Comment: BLK gene is associated with Systemic lupus erythematosus, sjogren's syndrome and other systemic inflammatory conditions. However no sufficient evidence is found to ascertain the role of this particular variant rs145058498, yet.

PreventionGenetics, part of Exact Sciences
Classification: Benign. Review status: criteria provided, single submitter. Criteria: ACMG Guidelines, 2015. Collection method: clinical testing. Allele origin: germline.

Literature cited by the submitters: PubMed 32313195 (cited by Clinical Genomics, Uppaluri K&H Personalized Medicine Clinic); PubMed 19667185 (cited by Clinical Genomics, Uppaluri K&H Personalized Medicine Clinic); PubMed 18204098 (cited by Clinical Genomics, Uppaluri K&H Personalized Medicine Clinic); PubMed 24023612 (cited by Clinical Genomics, Uppaluri K&H Personalized Medicine Clinic); PubMed 31670388 (cited by Clinical Genomics, Uppaluri K&H Personalized Medicine Clinic).

NM_001715.3(BLK):c.472+12G>A

Genes: BLK (BLK proto-oncogene, Src family tyrosine kinase), LOC126860303 (CDK7 strongly-dependent group 2 enhancer GRCh37_chr8:11407118-11408317). Cytogenetic location: 8p23.1.
Variant type: single nucleotide variant.
Coding change: c.472+12G>A on transcript NM_001715.3 (MANE Select); 12 bases into the intron after coding-DNA position 472, G replaced by A.
Molecular consequence: intron variant.
Genome position (GRCh38, 1-based): chr8:11,550,274, G>A. VCF-style: chr8-11550274-G-A. GRCh37 (hg19) VCF-style: chr8-11407783-G-A.
Other names: c.259+12G>A (NM_001330465.2).
Identifiers: ClinVar variation 258178 (VCV000258178.20), dbSNP rs145058498, ClinGen allele CA4629892.